The following is an entry in ClinVar:

NM_000416.3(IFNGR1):c.682A>G (p.Thr228Ala)

Gene: IFNGR1 (interferon gamma receptor 1; minus strand). Cytogenetic location: 6q23.3.
Variant type: single nucleotide variant.
Coding change: c.682A>G on transcript NM_000416.3 (MANE Select); coding-DNA position 682, A replaced by G.
Protein change: p.Thr228Ala; replaces threonine 228 with alanine.
Molecular consequence: missense variant.
Genome position (GRCh38, 1-based): chr6:137,203,550, T>C on the plus strand (A>G on the coding strand, the complement: IFNGR1 is on the minus strand). VCF-style: chr6-137203550-T-C. GRCh37 (hg19) VCF-style: chr6-137524687-T-C.
Other names: c.652A>G, p.Thr218Ala (NM_001363526.1); c.559A>G, p.Thr187Ala (NM_001363527.1); short protein forms T228A, T187A, T218A.
Identifiers: ClinVar variation 1940325 (VCV001940325.7), dbSNP rs1779342319, ClinGen allele CA365774728.

ClinVar aggregate classification (germline): Uncertain significance. Review status: criteria provided, multiple submitters, no conflicts (2 of 4 stars). 2 submissions from 2 submitters: Uncertain significance (2). Last evaluated 2023-01-26.

Conditions:
Disseminated atypical mycobacterial infection. Identifiers: MedGen C0694566.
Inborn genetic diseases. Identifiers: MedGen C0950123, MeSH D030342.

Allele frequency attached by ClinVar (database versions not stated): gnomAD exomes below 0.00001; TOPMed 0.00001.
gnomAD v4.1: 1 of 1,613,490 alleles (0.000062%); highest among the groups gnomAD compares: South Asian, 0.0011%; no homozygotes.

Submissions (2):

Ambry Genetics
Classification: Uncertain significance for Inborn genetic diseases. Last evaluated: 2023-01-26. Review status: criteria provided, single submitter. Criteria: Ambry Variant Classification Scheme 2023. Collection method: clinical testing. Allele origin: germline.

Labcorp Genetics (formerly Invitae), Labcorp
Classification: Uncertain significance for Disseminated atypical mycobacterial infection. Last evaluated: 2022-03-23. Review status: criteria provided, single submitter. Criteria: Invitae Variant Classification Sherloc (09022015). Collection method: clinical testing. Allele origin: germline.
Comment: This variant has not been reported in the literature in individuals affected with IFNGR1-related conditions. In summary, the available evidence is currently insufficient to determine the role of this variant in disease. Therefore, it has been classified as a Variant of Uncertain Significance. Algorithms developed to predict the effect of missense changes on protein structure and function are either unavailable or do not agree on the potential impact of this missense change (SIFT: "Tolerated"; PolyPhen-2: "Probably Damaging"; Align-GVGD: "Class C0"). This variant is not present in population databases (gnomAD no frequency). This sequence change replaces threonine, which is neutral and polar, with alanine, which is neutral and non-polar, at codon 228 of the IFNGR1 protein (p.Thr228Ala).